The following is an entry in ClinVar:

NM_000171.4(GLRA1):c.947C>A (p.Ala316Glu)

Gene: GLRA1 (glycine receptor alpha 1; minus strand). Cytogenetic location: 5q33.1.
Variant type: single nucleotide variant.
Coding change: c.947C>A on transcript NM_000171.4 (MANE Select); coding-DNA position 947, C replaced by A.
Protein change: p.Ala316Glu; replaces alanine 316 with glutamic acid.
Molecular consequence: missense variant.
Genome position (GRCh38, 1-based): chr5:151,829,033, G>T on the plus strand (C>A on the coding strand, the complement: GLRA1 is on the minus strand). VCF-style: chr5-151829033-G-T. GRCh37 (hg19) VCF-style: chr5-151208594-G-T.
Other names: c.947C>A, p.Ala316Glu (NM_001146040.2); c.698C>A, p.Ala233Glu (NM_001292000.2); short protein forms A316E, A233E.
Identifiers: ClinVar variation 422464 (VCV000422464.2), dbSNP rs1064795797, ClinGen allele CA16618145.

ClinVar aggregate classification (germline): Likely pathogenic (1 of 4 stars; one submission).

Submission:

GeneDx
Classification: Likely pathogenic. Last evaluated: 2016-10-17. Review status: criteria provided, single submitter. Criteria: GeneDx Variant Classification (06012015). Collection method: clinical testing. Allele origin: germline. Affected: yes.
Comment: The A316E variant in the GLRA1 gene has not been reported previously as a pathogenic variant nor as abenign variant, to our knowledge. The A316E variant was not observed in approximately 6500 individuals ofEuropean and African American ancestry in the NHLBI Exome Sequencing Project, indicating it is not a commonbenign variant in these populations. The A316E variant is a non-conservative amino acid substitution, which islikely to impact secondary protein structure as these residues differ in polarity, charge, size and/or other properties.This substitution occurs at a position that is conserved across species. In silico analysis predicts this variant isprobably damaging to the protein structure/function. Missense variants in a nearby residue, L319P, has been reportedin the Human Gene Mutation Database in association with hyperekplexia (Stenson et al., 2014), supporting thefunctional importance of this region of the protein. The A316E variant is a strong candidate for a pathogenic variant.